The following is an entry in ClinVar:

NM_000051.4(ATM):c.6572+1G>T

Genes: ATM (ATM serine/threonine kinase; plus strand), C11orf65 (chromosome 11 open reading frame 65; minus strand). Cytogenetic location: 11q22.3.
Variant type: single nucleotide variant.
Coding change: c.6572+1G>T on transcript NM_000051.4 (MANE Select); the canonical splice donor site of the intron after coding-DNA position 6572, G replaced by T.
Molecular consequence: splice donor variant. On other transcripts: intron variant (2).
Genome position (GRCh38, 1-based): chr11:108,321,421, G>T. VCF-style: chr11-108321421-G-T. GRCh37 (hg19) VCF-style: chr11-108192148-G-T.
Other names: c.6572+1G>T (NM_001351834.2); c.641-12350C>A (NM_001330368.2); c.*39-12350C>A (NM_001351110.2).
Identifiers: ClinVar variation 960501 (VCV000960501.15), dbSNP rs587779856, ClinGen allele CA382554458.

ClinVar aggregate classification (germline): Likely pathogenic. Review status: criteria provided, multiple submitters, no conflicts (2 of 4 stars). 7 submissions from 7 submitters: Likely pathogenic (7). Last evaluated 2025-12-08.

Conditions:
Hereditary cancer-predisposing syndrome. Also called: Tumor predisposition; Neoplastic Syndromes, Hereditary; Hereditary neoplastic syndrome; Hereditary Cancer Syndrome. Identifiers: Orphanet 140162, MedGen C0027672, MeSH D009386, MONDO:0015356.
Familial cancer of breast. Also called: Hereditary breast cancer; hereditary breast carcinoma; BREAST CANCER, FAMILIAL. Identifiers: Orphanet 227535, MedGen C0346153, MONDO:0016419, OMIM 114480. Disease mechanism: loss of function.
Ataxia-telangiectasia syndrome (AT). Also called: Ataxia-telangiectasia, complementation group D; AT, COMPLEMENTATION GROUP C; ATAXIA-TELANGIECTASIA, COMPLEMENTATION GROUP A; ATAXIA-TELANGIECTASIA, FRESNO VARIANT; Ataxia-telangiectasia; Ataxia telangiectasia (A-T). Identifiers: Orphanet 100, MedGen C0004135, MONDO:0008840, OMIM 208900.

gnomAD v4.1: 1 of 1,614,046 alleles (0.000062%); highest among the groups gnomAD compares: Non-Finnish European, 0.000085%; no homozygotes.

Submissions (7):

Ambry Genetics
Classification: Likely pathogenic for Hereditary cancer-predisposing syndrome. Last evaluated: 2025-12-08. Review status: criteria provided, single submitter. Criteria: Ambry Variant Classification Scheme 2023. Collection method: clinical testing. Allele origin: germline.
Comment: The c.6572+1G>T intronic variant results from a G to T substitution one nucleotide after coding exon 44 of the ATM gene. This variant is considered to be rare based on population cohorts in the Genome Aggregation Database (gnomAD). This nucleotide position is highly conserved in available vertebrate species. In silico splice site analysis predicts that this alteration will weaken the native splice donor site. RNA studies have demonstrated that this alteration results in abnormal splicing in the set of samples tested (Ambry internal data). Alterations that disrupt the canonical splice site are expected to cause aberrant splicing, resulting in an abnormal protein or a transcript that is subject to nonsense-mediated mRNA decay. Based on the majority of available evidence to date, this variant is likely to be pathogenic.

Natera, Inc.
Classification: Likely pathogenic for Ataxia-telangiectasia. Last evaluated: 2024-05-01. Review status: criteria provided, single submitter. Criteria: Natera Variant Classification Schema (03/2026). Collection method: clinical testing. Allele origin: germline.
Comment: The c.6572+1G>T variant in ATM is a canonical splice donor site variant predicted to affect pre-mRNA splicing, which may result in an abnormal transcript and altered protein product. This variant may result in a truncated or dysfunctional protein product. This variant is rare in the general population with a frequency below the threshold expected for the associated phenotype(s). Another variant at this same site results in an alteration predicted to cause a similar molecular effect has been observed in individual(s) with the associated phenotype. Given the available evidence, this variant is classified as Likely Pathogenic.

Fulgent Genetics
Classification: Likely pathogenic for Familial cancer of breast; Ataxia-telangiectasia syndrome. Last evaluated: 2024-03-27. Review status: criteria provided, single submitter. Criteria: ACMG Guidelines, 2015. Collection method: clinical testing. Allele origin: germline.

Baylor Genetics
Classification: Likely pathogenic for Familial cancer of breast. Last evaluated: 2024-01-22. Review status: criteria provided, single submitter. Criteria: ACMG Guidelines, 2015. Collection method: clinical testing. Allele origin: unknown.

Myriad Genetics, Inc.
Classification: Likely pathogenic for Familial cancer of breast. Last evaluated: 2023-07-21. Review status: criteria provided, single submitter. Criteria: Myriad Autosomal Dominant, Autosomal Recessive and X-Linked Classification Criteria (2023). Collection method: clinical testing. Allele origin: unknown.
Comment: This variant is considered likely pathogenic. This variant occurs within a consensus splice junction and is predicted to result in abnormal mRNA splicing of either an out-of-frame exon or an in-frame exon necessary for protein stability and/or normal function.

Color Diagnostics, LLC DBA Color Health
Classification: Likely pathogenic for Hereditary cancer-predisposing syndrome. Last evaluated: 2021-11-12. Review status: criteria provided, single submitter. Criteria: ACMG Guidelines, 2015. Collection method: clinical testing. Allele origin: germline.
Comment: This variant causes a G to T nucleotide substitution at the +1 position of intron 45 of the ATM gene. Splice site prediction tools predict that this variant may have a significant impact on RNA splicing. A different variant occurring at the same position, c.6572+1G>A, is known to be disease-causing (ClinVar variation ID: 127426). Although, to our knowledge, functional studies have not been reported for this variant, it is expected to result in aberrant splicing and absent/abnormal protein product. This variant has been reported in an individual affected with brain cancer (PMID: 25877891). This variant has not been identified in the general population by the Genome Aggregation Database (gnomAD). Loss of ATM function is a known mechanism of disease. Based on the available evidence, this variant is classified as Likely Pathogenic.

Labcorp Genetics (formerly Invitae), Labcorp
Classification: Likely pathogenic for Ataxia-telangiectasia syndrome. Last evaluated: 2019-08-13. Review status: criteria provided, single submitter. Criteria: Invitae Variant Classification Sherloc (09022015). Collection method: clinical testing. Allele origin: germline.
Comment: Donor and acceptor splice site variants typically lead to a loss of protein function (PMID: 16199547), and loss-of-function variants in ATM are known to be pathogenic (PMID: 23807571, 25614872). This variant is not present in population databases (ExAC no frequency). This variant has been observed in an individual affected with brain cancer (PMID: 25877891) and an individual with clinical features of ataxia telangiectasia (PMID: 29141312). In summary, the currently available evidence indicates that the variant is pathogenic, but additional data are needed to prove that conclusively. Therefore, this variant has been classified as Likely Pathogenic. This sequence change affects a donor splice site in intron 45 of the ATM gene. It is expected to disrupt RNA splicing and likely results in an absent or disrupted protein product.

Literature cited by the submitters: PubMed 25877891 (cited by Color Diagnostics, LLC DBA Color Health and Labcorp Genetics (formerly Invitae), Labcorp); PubMed 16199547 (cited by Labcorp Genetics (formerly Invitae), Labcorp); PubMed 23807571 (cited by Labcorp Genetics (formerly Invitae), Labcorp); PubMed 25614872 (cited by Labcorp Genetics (formerly Invitae), Labcorp); PubMed 29141312 (cited by Labcorp Genetics (formerly Invitae), Labcorp).